The following is an entry in ClinVar:

ClinVar aggregate classification (germline): Likely benign (1 of 4 stars; one submission).

Allele frequency attached by ClinVar (database versions not stated): gnomAD exomes below 0.00001.
gnomAD v4.1: 3 of 1,599,498 alleles (0.00019%); highest among the groups gnomAD compares: Non-Finnish European, 0.00026%; no homozygotes.

Submission:

GeneDx
Classification: Likely benign. Last evaluated: 2017-08-30. Review status: criteria provided, single submitter. Criteria: GeneDx Variant Classification (06012015). Collection method: clinical testing. Allele origin: germline. Affected: yes.
Comment: This variant is considered likely benign or benign based on one or more of the following criteria: it is a conservative change, it occurs at a poorly conserved position in the protein, it is predicted to be benign by multiple in silico algorithms, and/or has population frequency not consistent with disease.

NM_152416.4(NDUFAF6):c.942G>A (p.Gln314=)

Gene: NDUFAF6 (NADH:ubiquinone oxidoreductase complex assembly factor 6; plus strand). Cytogenetic location: 8q22.1.
Variant type: single nucleotide variant.
Coding change: c.942G>A on transcript NM_152416.4 (MANE Select); coding-DNA position 942, G replaced by A.
Protein change: p.Gln314=; no amino-acid change (glutamine 314 retained).
Molecular consequence: synonymous variant. On other transcripts: non-coding transcript variant (3), intron variant (1).
Genome position (GRCh38, 1-based): chr8:95,057,877, G>A. VCF-style: chr8-95057877-G-A. GRCh37 (hg19) VCF-style: chr8-96070105-G-A.
Other names: c.666G>A, p.Gln222= (NM_001330582.2, NM_001354514.2, NM_001354515.2); c.786G>A, p.Gln262= (NM_001354516.2); c.609G>A, p.Gln203= (NM_001354517.2, NM_001354518.2, NM_001354519.2 and 1 more transcripts); c.486G>A, p.Gln162= (NM_001354522.2, NM_001354524.2, NM_001354525.2 and 7 more transcripts); c.483+9319G>A (NM_001354534.2).
Identifiers: ClinVar variation 511823 (VCV000511823.1), dbSNP rs1554684085, ClinGen allele CA462306540.